The following is an entry in ClinVar:

ClinVar aggregate classification (germline): Uncertain significance (1 of 4 stars; one submission).

Conditions:
Hereditary cancer-predisposing syndrome. Also called: Hereditary neoplastic syndrome; Neoplastic Syndromes, Hereditary; Tumor predisposition; Hereditary Cancer Syndrome. Identifiers: Orphanet 140162, MedGen C0027672, MeSH D009386, MONDO:0015356.

Submission:

Ambry Genetics
Classification: Uncertain significance for Hereditary cancer-predisposing syndrome. Last evaluated: 2025-08-07. Review status: criteria provided, single submitter. Criteria: Ambry Variant Classification Scheme 2023. Collection method: clinical testing. Allele origin: germline.
Comment: The p.P1021H variant (also known as c.3062C>A), located in coding exon 21 of the PDGFRA gene, results from a C to A substitution at nucleotide position 3062. The proline at codon 1021 is replaced by histidine, an amino acid with similar properties. This amino acid position is conserved. In addition, the in silico prediction for this alteration is inconclusive. Based on the available evidence, the clinical significance of this variant remains unclear.

NM_006206.6(PDGFRA):c.3062C>A (p.Pro1021His)

Gene: PDGFRA (platelet derived growth factor receptor alpha; plus strand). Cytogenetic location: 4q12.
Variant type: single nucleotide variant.
Coding change: c.3062C>A on transcript NM_006206.6 (MANE Select); coding-DNA position 3062, C replaced by A.
Protein change: p.Pro1021His; replaces proline 1021 with histidine.
Molecular consequence: missense variant.
Genome position (GRCh38, 1-based): chr4:54,290,494, C>A. VCF-style: chr4-54290494-C-A. GRCh37 (hg19) VCF-style: chr4-55156661-C-A.
Other names: c.3137C>A, p.Pro1046His (NM_001347828.2); c.3062C>A, p.Pro1021His (NM_001347829.2); c.3101C>A, p.Pro1034His (NM_001347830.2); short protein forms P1021H, P1034H, P1046H.
Identifiers: ClinVar variation 4134001 (VCV004134001.1).
Genomic context (GRCh38, chr4:54,290,494, plus strand): 5'-AGGACTGGGAGGGTGGTCTGGATGAGCAGAGACTGAGCGCTGACAGTGGCTACATCATTC[C>A]TCTGCCTGACATTGACCCTGTCCCTGAGGAGGAGGACCTGGGCAAGAGGAACAGACACAG-3'
Protein context (NP_006197.1, residues 1011-1031): RLSADSGYII[Pro1021His]LPDIDPVPEE